The following is an entry in ClinVar:

ClinVar aggregate classification (germline): Likely benign (1 of 4 stars; one submission).

Allele frequency attached by ClinVar (database versions not stated): gnomAD exomes below 0.00001; gnomAD 0.00001; TOPMed 0.00001.
gnomAD v4.1: 5 of 1,613,604 alleles (0.00031%); highest among the groups gnomAD compares: Non-Finnish European, 0.00042%; no homozygotes.

Submission:

GeneDx
Classification: Likely benign. Last evaluated: 2017-03-23. Review status: criteria provided, single submitter. Criteria: GeneDx Variant Classification (06012015). Collection method: clinical testing. Allele origin: germline. Affected: yes.
Comment: This variant is considered likely benign or benign based on one or more of the following criteria: it is a conservative change, it occurs at a poorly conserved position in the protein, it is predicted to be benign by multiple in silico algorithms, and/or has population frequency not consistent with disease.

NM_005431.2(XRCC2):c.-16C>T

Gene: XRCC2 (X-ray repair cross complementing 2; minus strand). Cytogenetic location: 7q36.1.
Variant type: single nucleotide variant.
Coding change: c.-16C>T on transcript NM_005431.2 (MANE Select); 16 bases upstream of the start codon, C replaced by T.
Molecular consequence: 5 prime UTR variant.
Genome position (GRCh38, 1-based): chr7:152,676,095, G>A on the plus strand (C>T on the coding strand, the complement: XRCC2 is on the minus strand). VCF-style: chr7-152676095-G-A. GRCh37 (hg19) VCF-style: chr7-152373180-G-A.
Identifiers: ClinVar variation 508298 (VCV000508298.1), dbSNP rs1229277495, ClinGen allele CA658797064.